The following is an entry in ClinVar:

NM_017780.4(CHD7):c.5016G>A (p.Ala1672=)

Gene: CHD7 (chromodomain helicase DNA binding protein 7; plus strand). Cytogenetic location: 8q12.2.
Variant type: single nucleotide variant.
Coding change: c.5016G>A on transcript NM_017780.4 (MANE Select); coding-DNA position 5016, G replaced by A.
Protein change: p.Ala1672=; no amino-acid change (alanine 1672 retained).
Molecular consequence: synonymous variant. On other transcripts: intron variant (1).
Genome position (GRCh38, 1-based): chr8:60,845,029, G>A. VCF-style: chr8-60845029-G-A. GRCh37 (hg19) VCF-style: chr8-61757588-G-A.
Other names: c.1717-17200G>A (NM_001316690.1).
Identifiers: ClinVar variation 1418784 (VCV001418784.30), dbSNP rs370321135, ClinGen allele CA4760240.
Genomic context (GRCh38, chr8:60,845,029, plus strand): 5'-TCATTACAAAGGGGATGAGAATATCAAAAGCTTCATCTGGGATCTGATCACACCCACAGC[G>A]GATGGCCAGACTCGAGCCTTGGTCAACCATTCCGGTAGGTCTCCACCATGCTGTTTGTGC-3'
Protein context (NP_060250.2, residues 1662-1682): SFIWDLITPT[Ala1672=]DGQTRALVNH

ClinVar aggregate classification (germline): Likely benign. Review status: criteria provided, multiple submitters, no conflicts (2 of 4 stars). 3 submissions from 3 submitters: Likely benign (3). Last evaluated 2026-04-10.

Conditions:
CHARGE syndrome (CHARGE). Also called: Coloboma, heart anomaly, choanal atresia, retardation, genital and ear anomalies; CHARGE association; Hall-Hittner syndrome; Hittner Hirsch Kreh syndrome; CHARGE ASSOCIATION--COLOBOMA, HEART ANOMALY, CHOANAL ATRESIA, RETARDATION, GENITAL AND EAR ANOMALIES. Identifiers: Orphanet 138, MedGen C0265354, MONDO:0008965.

Allele frequency attached by ClinVar (database versions not stated): ExAC 0.00001; gnomAD 0.00002 and 0.00003; gnomAD exomes 0.00002; TOPMed 0.00004; ESP Exome Variant Server 0.00008; 1000 Genomes Project 30x 0.00016; 1000 Genomes Project 0.00020.
gnomAD v4.1: 29 of 1,613,950 alleles (0.0018%); highest among the groups gnomAD compares: Admixed American, 0.0033%; no homozygotes.

Submissions (3):

Women's Health and Genetics/Laboratory Corporation of America, LabCorp
Classification: Likely benign. Last evaluated: 2026-04-10. Review status: criteria provided, single submitter. Criteria: LabCorp Variant Classification Summary - May 2015. Collection method: clinical testing. Allele origin: germline.

Labcorp Genetics (formerly Invitae), Labcorp
Classification: Likely benign for CHARGE syndrome. Last evaluated: 2025-05-23. Review status: criteria provided, single submitter. Criteria: Invitae Variant Classification Sherloc (09022015). Collection method: clinical testing. Allele origin: germline.

CeGaT Center for Human Genetics Tuebingen
Classification: Likely benign. Last evaluated: 2024-09-01. Review status: criteria provided, single submitter. Criteria: CeGaT Center For Human Genetics Tuebingen Variant Classification Criteria Version 2. Collection method: clinical testing. Allele origin: germline. Affected: yes. Observed: 2 variant alleles.
Comment: CHD7: BP4, BP7